The following is an entry in ClinVar:

ClinVar aggregate classification (germline): Uncertain significance (1 of 4 stars; one submission).

Conditions:
Hereditary diffuse gastric adenocarcinoma (HDGC). Also called: DIFFUSE GASTRIC AND LOBULAR BREAST CANCER SYNDROME. Identifiers: Orphanet 26106, MedGen C1708349, MONDO:0007648, OMIM 137215.

Submission:

Labcorp Genetics (formerly Invitae), Labcorp
Classification: Uncertain significance for Hereditary diffuse gastric adenocarcinoma. Last evaluated: 2025-05-18. Review status: criteria provided, single submitter. Criteria: Invitae Variant Classification Sherloc (09022015). Collection method: clinical testing. Allele origin: germline.
Comment: This sequence change replaces glutamine, which is neutral and polar, with arginine, which is basic and polar, at codon 195 of the CDH1 protein (p.Gln195Arg). This variant is not present in population databases (gnomAD no frequency). This variant has not been reported in the literature in individuals affected with CDH1-related conditions. ClinVar contains an entry for this variant (Variation ID: 2884511). An algorithm developed to predict the effect of missense changes on protein structure and function (PolyPhen-2) suggests that this variant is likely to be tolerated. In summary, the available evidence is currently insufficient to determine the role of this variant in disease. Therefore, it has been classified as a Variant of Uncertain Significance.

NM_004360.5(CDH1):c.584A>G (p.Gln195Arg)

Gene: CDH1 (cadherin 1; plus strand). Cytogenetic location: 16q22.1.
Variant type: single nucleotide variant.
Coding change: c.584A>G on transcript NM_004360.5 (MANE Select); coding-DNA position 584, A replaced by G.
Protein change: p.Gln195Arg; replaces glutamine 195 with arginine.
Molecular consequence: missense variant. On other transcripts: 5 prime UTR variant (2).
Genome position (GRCh38, 1-based): chr16:68,808,745, A>G. VCF-style: chr16-68808745-A-G. GRCh37 (hg19) VCF-style: chr16-68842648-A-G.
Other names: c.584A>G, p.Gln195Arg (NM_001317184.2); c.-1032A>G (NM_001317185.2); c.-1236A>G (NM_001317186.2); short protein forms Q195R.
Identifiers: ClinVar variation 2884511 (VCV002884511.3), dbSNP rs2152130133, ClinGen allele CA396457956.